The following is an entry in ClinVar:

ClinVar aggregate classification (germline): Uncertain significance (1 of 4 stars; one submission).

Conditions:
Osteogenesis imperfecta type I (OI1). Also called: Lobstein's Disease; OI, TYPE I; OSTEOGENESIS IMPERFECTA TARDA; OSTEOGENESIS IMPERFECTA WITH BLUE SCLERAE; Osteogenesis imperfecta type 1; Lobstein disease. Identifiers: Orphanet 216796, Orphanet 666, MedGen C0023931, MONDO:0008146, OMIM 166200. Disease mechanism: loss of function.

Submission:

Labcorp Genetics (formerly Invitae), Labcorp
Classification: Uncertain significance for Osteogenesis imperfecta type I. Last evaluated: 2023-09-27. Review status: criteria provided, single submitter. Criteria: Invitae Variant Classification Sherloc (09022015). Collection method: clinical testing. Allele origin: germline.
Comment: In summary, the available evidence is currently insufficient to determine the role of this variant in disease. Therefore, it has been classified as a Variant of Uncertain Significance. This sequence change replaces alanine, which is neutral and non-polar, with aspartic acid, which is acidic and polar, at codon 1349 of the COL1A1 protein (p.Ala1349Asp). This variant is not present in population databases (gnomAD no frequency). This variant has not been reported in the literature in individuals affected with COL1A1-related conditions. Advanced modeling of protein sequence and biophysical properties (such as structural, functional, and spatial information, amino acid conservation, physicochemical variation, residue mobility, and thermodynamic stability) performed at Invitae indicates that this missense variant is not expected to disrupt COL1A1 protein function.

NM_000088.4(COL1A1):c.4046C>A (p.Ala1349Asp)

Gene: COL1A1 (collagen type I alpha 1 chain; minus strand). Cytogenetic location: 17q21.33.
Variant type: single nucleotide variant.
Coding change: c.4046C>A on transcript NM_000088.4 (MANE Select); coding-DNA position 4046, C replaced by A.
Protein change: p.Ala1349Asp; replaces alanine 1349 with aspartic acid.
Molecular consequence: missense variant.
Genome position (GRCh38, 1-based): chr17:50,185,980, G>T on the plus strand (C>A on the coding strand, the complement: COL1A1 is on the minus strand). VCF-style: chr17-50185980-G-T. GRCh37 (hg19) VCF-style: chr17-48263341-G-T.
Other names: short protein forms A1349D.
Identifiers: ClinVar variation 2897156 (VCV002897156.3), dbSNP rs2509157205, ClinGen allele CA400192648.